The following is an entry in ClinVar:

NM_003060.4(SLC22A5):c.1202dup (p.Tyr401Ter)

Gene: SLC22A5 (solute carrier family 22 member 5; plus strand). Cytogenetic location: 5q31.1.
Variant type: Duplication.
Coding change: c.1202dup on transcript NM_003060.4 (MANE Select); coding-DNA position 1202, one base duplicated (A; older notation c.1202dupA).
Protein change: p.Tyr401Ter; replaces tyrosine 401 with a stop codon.
Molecular consequence: nonsense.
Genome position (GRCh38, 1-based): chr5:132,390,839, A duplicated. VCF-style (leftmost placement, unchanged base first): chr5-132390838-T-TA. GRCh37 (hg19) VCF-style: chr5-131726530-T-TA.
Other names: SLC22A5:c.1202_1203insA (p.Tyr401delinsTerPhefs); c.1202dup (NM_003060.3); c.1274dup, p.Tyr425Ter (NM_001308122.2); short protein forms Y401*, Y425*.
Identifiers: ClinVar variation 6417 (VCV000006417.25), dbSNP rs121908887, ClinGen allele CA340582.
Genomic context (GRCh38, chr5:132,390,838, plus strand): 5'-ATGGTTGAAGTCCCAGCATATGTGTTGGCCTGGCTGCTGCTGCAATATTTGCCCCGGCGC[T>TA]ATTCCATGGCCACTGCCCTCTTCCTGGGTGGCAGTGTCCTTCTCTTCATGCAGCTGGTAC-3'

ClinVar aggregate classification (germline): Pathogenic. Review status: criteria provided, multiple submitters, no conflicts (2 of 4 stars). 6 submissions from 6 submitters: Pathogenic (3). 3 of the submissions do not count toward it. Last evaluated 2023-08-14.

Conditions:
Decreased circulating carnitine concentration. Also called: Decreased plasma carnitine. Identifiers: MedGen C5848230, HP:0003234.
Renal carnitine transport defect (CDSP). Also called: Systemic primary carnitine deficiency disease; Carnitine transporter deficiency; Carnitine Deficiency, Systemic; CARNITINE DEFICIENCY, SYSTEMIC, DUE TO DEFECT IN RENAL REABSORPTION OF CARNITINE; CARNITINE TRANSPORTER, PLASMA-MEMBRANE, DEFICIENCY OF; CARNITINE UPTAKE DEFECT. Identifiers: Orphanet 158, MedGen C0342788, MONDO:0008919, OMIM 212140.

Allele frequency attached by ClinVar (database versions not stated): gnomAD exomes 0.00003 and 0.00001; TOPMed below 0.00001; ExAC 0.00001.

Submissions (6):

Labcorp Genetics (formerly Invitae), Labcorp
Classification: Pathogenic for Renal carnitine transport defect. Last evaluated: 2023-08-14. Review status: criteria provided, single submitter. Criteria: Invitae Variant Classification Sherloc (09022015). Collection method: clinical testing. Allele origin: germline.
Comment: This premature translational stop signal has been observed in individual(s) with primary carnitine deficiency (PMID: 10051646, 12210323). In at least one individual the data is consistent with being in trans (on the opposite chromosome) from a pathogenic variant. For these reasons, this variant has been classified as Pathogenic. ClinVar contains an entry for this variant (Variation ID: 6417). This variant is present in population databases (rs768720460, gnomAD 0.002%). This sequence change creates a premature translational stop signal (p.Tyr401*) in the SLC22A5 gene. It is expected to result in an absent or disrupted protein product. Loss-of-function variants in SLC22A5 are known to be pathogenic (PMID: 9916797).

Genome-Nilou Lab
Classification: Pathogenic for Renal carnitine transport defect. Last evaluated: 2021-07-15. Review status: criteria provided, single submitter. Criteria: ACMG Guidelines, 2015. Collection method: clinical testing. Allele origin: germline. Affected: no.

Eurofins Ntd Llc (ga)
Classification: Pathogenic. Last evaluated: 2013-06-21. Review status: criteria provided, single submitter. Criteria: EGL Classification Definitions. Collection method: clinical testing. Allele origin: germline. Observed: 1 variant allele, 1 heterozygote.

Natera, Inc.
Classification: Pathogenic for Carnitine deficiency. Last evaluated: 2020-07-07. Review status: no assertion criteria provided. Collection method: clinical testing. Allele origin: germline. Not counted in ClinVar's aggregate classification.

Counsyl
Classification: Likely pathogenic for Renal carnitine transport defect. Last evaluated: 2014-10-26. Review status: no assertion criteria provided. Collection method: literature only. Allele origin: unknown. Inheritance: Autosomal recessive inheritance. Not counted in ClinVar's aggregate classification.

OMIM
Classification: Pathogenic for CARNITINE DEFICIENCY, SYSTEMIC PRIMARY. Last evaluated: 1999-03-02. Review status: no assertion criteria provided. Collection method: literature only. Allele origin: germline. Not counted in ClinVar's aggregate classification.

Literature cited by the submitters: PubMed 10051646 (cited by 3 submitters); PubMed 12210323 (cited by Labcorp Genetics (formerly Invitae), Labcorp and Counsyl); PubMed 9916797 (cited by Labcorp Genetics (formerly Invitae), Labcorp); PubMed 23757202 (cited by Eurofins Ntd Llc (ga)).